The following is an entry in ClinVar:

NM_004055.5(CAPN5):c.1591G>T (p.Asp531Tyr)

Gene: CAPN5 (calpain 5; plus strand). Cytogenetic location: 11q13.5.
Variant type: single nucleotide variant.
Coding change: c.1591G>T on transcript NM_004055.5 (MANE Select); coding-DNA position 1591, G replaced by T.
Protein change: p.Asp531Tyr; replaces aspartic acid 531 with tyrosine.
Molecular consequence: missense variant.
Genome position (GRCh38, 1-based): chr11:77,122,037, G>T. VCF-style: chr11-77122037-G-T. GRCh37 (hg19) VCF-style: chr11-76833083-G-T.
Other names: short protein forms D531Y.
Identifiers: ClinVar variation 954836 (VCV000954836.11), dbSNP rs1555042900, ClinGen allele CA381943718.
Genomic context (GRCh38, chr11:77,122,037, plus strand): 5'-CTCTGTGGCTACCCCCAGCTGGTGACCCAGGTACATGTCCTGGGAGCTGCTGGCCTCAAG[G>T]ACTCCCCAACAGGTGAGCTCTCCCAGGGAGAGTCCCCCGGCCCTCCTGCCAGTTGTCCCA-3'
Protein context (NP_004046.2, residues 521-541): VHVLGAAGLK[Asp531Tyr]SPTGANSYVI

ClinVar aggregate classification (germline): Uncertain significance. Review status: criteria provided, multiple submitters, no conflicts (2 of 4 stars). 2 submissions from 2 submitters: Uncertain significance (2). Last evaluated 2024-11-25.

Allele frequency attached by ClinVar (database versions not stated): TOPMed below 0.00001; gnomAD 0.00001; gnomAD exomes 0.00003.
gnomAD v4.1: 39 of 1,552,308 alleles (0.0025%); highest among the groups gnomAD compares: Non-Finnish European, 0.0032%; no homozygotes.

Submissions (2):

Labcorp Genetics (formerly Invitae), Labcorp
Classification: Uncertain significance. Last evaluated: 2024-11-25. Review status: criteria provided, single submitter. Criteria: Invitae Variant Classification Sherloc (09022015). Collection method: clinical testing. Allele origin: germline.
Comment: This sequence change replaces aspartic acid, which is acidic and polar, with tyrosine, which is neutral and polar, at codon 531 of the CAPN5 protein (p.Asp531Tyr). The frequency data for this variant in the population databases is considered unreliable, as metrics indicate poor data quality at this position in the gnomAD database. This variant has not been reported in the literature in individuals affected with CAPN5-related conditions. ClinVar contains an entry for this variant (Variation ID: 954836). An algorithm developed to predict the effect of missense changes on protein structure and function (PolyPhen-2) suggests that this variant is likely to be disruptive. In summary, the available evidence is currently insufficient to determine the role of this variant in disease. Therefore, it has been classified as a Variant of Uncertain Significance.

GeneDx
Classification: Uncertain significance. Last evaluated: 2020-07-06. Review status: criteria provided, single submitter. Criteria: GeneDx Variant Classification Process June 2021. Collection method: clinical testing. Allele origin: germline. Affected: yes.
Comment: Has not been previously published as pathogenic or benign to our knowledge; Not observed at a significant frequency in large population cohorts (Lek et al., 2016); In silico analysis supports that this missense variant does not alter protein structure/function